The following is an entry in ClinVar:

NM_000388.4(CASR):c.1898T>G (p.Val633Gly)

Gene: CASR (calcium sensing receptor; plus strand). Cytogenetic location: 3q21.1.
Variant type: single nucleotide variant.
Coding change: c.1898T>G on transcript NM_000388.4 (MANE Select); coding-DNA position 1898, T replaced by G.
Protein change: p.Val633Gly; replaces valine 633 with glycine.
Molecular consequence: missense variant.
Genome position (GRCh38, 1-based): chr3:122,283,852, T>G. VCF-style: chr3-122283852-T-G. GRCh37 (hg19) VCF-style: chr3-122002699-T-G.
Other names: c.1928T>G, p.Val643Gly (NM_001178065.2); short protein forms V633G, V643G.
Identifiers: ClinVar variation 2119904 (VCV002119904.4), dbSNP rs2473276785, ClinGen allele CA354157887.

ClinVar aggregate classification (germline): Uncertain significance (1 of 4 stars; one submission).

Conditions:
Familial hypocalciuric hypercalcemia (FHH). Also called: Familial benign hypercalcemia. Identifiers: Orphanet 405, MedGen C1809471, MONDO:0018458.
Autosomal dominant hypocalcemia 1 (HYPOC1). Also called: HYPOCALCEMIA, FAMILIAL. Identifiers: MedGen C3715128, MONDO:0011013, OMIM 601198.

Submission:

Labcorp Genetics (formerly Invitae), Labcorp
Classification: Uncertain significance for Familial hypocalciuric hypercalcemia; Autosomal dominant hypocalcemia 1. Last evaluated: 2022-03-31. Review status: criteria provided, single submitter. Criteria: Invitae Variant Classification Sherloc (09022015). Collection method: clinical testing. Allele origin: germline.
Comment: This sequence change replaces valine, which is neutral and non-polar, with glycine, which is neutral and non-polar, at codon 633 of the CASR protein (p.Val633Gly). This variant is not present in population databases (gnomAD no frequency). This variant has not been reported in the literature in individuals affected with CASR-related conditions. Algorithms developed to predict the effect of missense changes on protein structure and function (SIFT, PolyPhen-2, Align-GVGD) all suggest that this variant is likely to be disruptive. In summary, the available evidence is currently insufficient to determine the role of this variant in disease. Therefore, it has been classified as a Variant of Uncertain Significance.